The following is an entry in ClinVar:

NM_001128205.2(SULF1):c.1337A>G (p.Gln446Arg)

Gene: SULF1 (sulfatase 1; plus strand). Cytogenetic location: 8q13.3.
Variant type: single nucleotide variant.
Coding change: c.1337A>G on transcript NM_001128205.2 (MANE Select); coding-DNA position 1337, A replaced by G.
Protein change: p.Gln446Arg; replaces glutamine 446 with arginine.
Molecular consequence: missense variant. On other transcripts: 5 prime UTR variant (1), non-coding transcript variant (7).
Genome position (GRCh38, 1-based): chr8:69,604,892, A>G. VCF-style: chr8-69604892-A-G. GRCh37 (hg19) VCF-style: chr8-70517127-A-G.
Other names: c.1337A>G, p.Gln446Arg (NM_001128204.2, NM_001128206.2, NM_001412828.1 and 9 more transcripts); c.1208A>G, p.Gln403Arg (NM_001412832.1, NM_001412838.1, NM_001412839.1 and 1 more transcripts); c.1280A>G, p.Gln427Arg (NM_001412836.1, NM_001412837.1); c.1151A>G, p.Gln384Arg (NM_001412841.1, NM_001412842.1); c.737A>G, p.Gln246Arg (NM_001412844.1, NM_001412845.1); c.-455A>G (NM_001412846.1); short protein forms Q246R, Q403R, Q427R, Q446R, Q384R.
Identifiers: ClinVar variation 4723883 (VCV004723883.1).

ClinVar aggregate classification (germline): Uncertain significance (1 of 4 stars; one submission).

Submission:

Labcorp Genetics (formerly Invitae), Labcorp
Classification: Uncertain significance. Last evaluated: 2025-07-23. Review status: criteria provided, single submitter. Criteria: Invitae Variant Classification Sherloc (09022015). Collection method: clinical testing. Allele origin: germline.
Comment: This sequence change replaces glutamine, which is neutral and polar, with arginine, which is basic and polar, at codon 446 of the SULF1 protein (p.Gln446Arg). This variant is not present in population databases (gnomAD no frequency). This variant has not been reported in the literature in individuals affected with SULF1-related conditions. An algorithm developed to predict the effect of missense changes on protein structure and function (PolyPhen-2) suggests that this variant is likely to be tolerated. In summary, the available evidence is currently insufficient to determine the role of this variant in disease. Therefore, it has been classified as a Variant of Uncertain Significance.